The following is an entry in ClinVar:

ClinVar aggregate classification (germline): conflicting data from submitters (0 of 4 stars; one submission).

Submission:

ISCA site 1
Classification: conflicting data from submitters. Last evaluated: 2014-07-18. Review status: no assertion criteria provided. Collection method: clinical testing. Allele origin: unknown, paternal. Affected: yes. Observed: 2 variant alleles.
Comment: Uncertain significance(1), Likely benign (1)

Copy number variation identified through the course of routine clinical cytogenomic testing in postnatal populations, with clinical assertions as classified by the original submitter. For data from the original published study, Kaminsky, et al. 2011 (PubMed 21844811), please see nstd101.

GRCh38/hg38 10q21.3(chr10:66535354-66758372)x1

Genes: CTNNA3 (catenin alpha 3; minus strand), LOC132089821 (Neanderthal introgressed variant-containing enhancer experimental_15446; plus strand). Cytogenetic location: 10q21.3.
Variant type: copy number loss.
Change: copy number 1 (one copy instead of two) of chr10:66,535,354-66,758,372 (223.0 kb, GRCh38 coordinates, 1-based), cytogenetic band 10q21.3.
Identifiers: ClinVar variation 153680 (VCV000153680.2).